The following is an entry in ClinVar:

NM_000128.4(F11):c.304C>T (p.Gln102Ter)

Gene: F11 (coagulation factor XI; plus strand). Cytogenetic location: 4q35.2.
Variant type: single nucleotide variant.
Coding change: c.304C>T on transcript NM_000128.4 (MANE Select); coding-DNA position 304, C replaced by T.
Protein change: p.Gln102Ter; replaces glutamine 102 with a stop codon.
Molecular consequence: nonsense.
Genome position (GRCh38, 1-based): chr4:186,273,156, C>T. VCF-style: chr4-186273156-C-T. GRCh37 (hg19) VCF-style: chr4-187194310-C-T.
Other names: c.304C>T, p.Gln102Ter (NM_001354804.2); short protein forms Q102*.
Identifiers: ClinVar variation 2959001 (VCV002959001.3), dbSNP rs543131176, ClinGen allele CA3163613.

ClinVar aggregate classification (germline): Pathogenic (1 of 4 stars; one submission).

Allele frequency attached by ClinVar (database versions not stated): 1000 Genomes Project 30x 0.00031; 1000 Genomes Project 0.00040.

Submission:

Labcorp Genetics (formerly Invitae), Labcorp
Classification: Pathogenic. Last evaluated: 2023-02-16. Review status: criteria provided, single submitter. Criteria: Invitae Variant Classification Sherloc (09022015). Collection method: clinical testing. Allele origin: germline.
Comment: This variant is present in population databases (rs543131176, gnomAD 0.01%). This variant has not been reported in the literature in individuals affected with F11-related conditions. For these reasons, this variant has been classified as Pathogenic. This sequence change creates a premature translational stop signal (p.Gln102*) in the F11 gene. It is expected to result in an absent or disrupted protein product. Loss-of-function variants in F11 are known to be pathogenic (PMID: 23929304).

Literature cited by the submitters: PubMed 23929304.